The following is an entry in ClinVar:

ClinVar aggregate classification (germline): Uncertain significance. Review status: criteria provided, multiple submitters, no conflicts (2 of 4 stars). 2 submissions from 2 submitters: Uncertain significance (2). Last evaluated 2025-03-14.

Conditions:
Autosomal recessive nonsyndromic hearing loss 3. Also called: NEUROSENSORY NONSYNDROMIC RECESSIVE DEAFNESS 3. Identifiers: Orphanet 90636, MedGen C1838263, MONDO:0010860, OMIM 600316.

Allele frequency attached by ClinVar (database versions not stated): TOPMed 0.00001.
gnomAD v4.1: 4 of 1,614,128 alleles (0.00025%); highest among the groups gnomAD compares: East Asian, 0.0089%; no homozygotes.

Submissions (2):

GeneDx
Classification: Uncertain significance. Last evaluated: 2025-03-14. Review status: criteria provided, single submitter. Criteria: GeneDx Variant Classification Process June 2021. Collection method: clinical testing. Allele origin: germline. Affected: yes.
Comment: In silico analysis indicates that this missense variant does not alter protein structure/function; This variant is associated with the following publications: (PMID: 35711932)

Molecular Diagnosis Center for Deafness
Classification: Uncertain significance for Autosomal recessive nonsyndromic hearing loss 3. Review status: criteria provided, single submitter. Criteria: ClinGen HL ACMG Specifications v1. Collection method: case-control. Allele origin: maternal.

NM_016239.4(MYO15A):c.5557C>G (p.His1853Asp)

Gene: MYO15A (myosin XVA; plus strand). Cytogenetic location: 17p11.2.
Variant type: single nucleotide variant.
Coding change: c.5557C>G on transcript NM_016239.4 (MANE Select); coding-DNA position 5557, C replaced by G.
Protein change: p.His1853Asp; replaces histidine 1853 with aspartic acid.
Molecular consequence: missense variant.
Genome position (GRCh38, 1-based): chr17:18,141,678, C>G. VCF-style: chr17-18141678-C-G. GRCh37 (hg19) VCF-style: chr17-18044992-C-G.
Other names: c.5557C>G (NM_016239.3); short protein forms H1853D.
Identifiers: ClinVar variation 1319955 (VCV001319955.2), dbSNP rs747691685, ClinGen allele CA288403947.